The following is an entry in ClinVar:

NM_022893.4(BCL11A):c.184del (p.Ile62fs)

Gene: BCL11A (BCL11 transcription factor A; minus strand). Cytogenetic location: 2p16.1.
Variant type: Deletion.
Coding change: c.184del on transcript NM_022893.4 (MANE Select); coding-DNA position 184, one base deleted (A; older notation c.184delA).
Protein change: p.Ile62fs; shifts the reading frame from isoleucine 62.
Molecular consequence: frameshift variant. On other transcripts: 5 prime UTR variant (7).
Genome position (GRCh38, 1-based): chr2:60,546,172, T deleted on the plus strand (A on the coding strand, the reverse complement: BCL11A is on the minus strand). VCF-style (leftmost placement, unchanged base first): chr2-60546171-AT-A. GRCh37 (hg19) VCF-style: chr2-60773306-AT-A.
Other names: c.184del, p.Ile62fs (NM_001363864.1, NM_001365609.1, NM_001405708.1 and 10 more transcripts); c.28del, p.Ile10fs (NM_001405713.1, NM_001405714.1, NM_001405715.1 and 10 more transcripts); c.-349del (NM_001405727.1, NM_001405728.1); c.-242del (NM_001405720.1, NM_001405721.1); c.-492del (NM_001405731.1, NM_001405725.1, NM_001405726.1); short protein forms I62fs, I10fs.
Identifiers: ClinVar variation 1709212 (VCV001709212.2), dbSNP rs2467282402, ClinGen allele CA2580067527.

ClinVar aggregate classification (germline): Likely pathogenic (1 of 4 stars; one submission).

Conditions:
Dias-Logan syndrome. Also called: INTELLECTUAL DEVELOPMENTAL DISORDER WITH HEREDITARY PERSISTENCE OF FETAL HEMOGLOBIN; Intellectual developmental disorder with persistence of fetal hemoglobin. Identifiers: Orphanet 619233, MedGen C4310833, MONDO:0014914, OMIM 617101.

Submission:

MGZ Medical Genetics Center
Classification: Likely pathogenic for Dias-Logan syndrome. Last evaluated: 2021-11-23. Review status: criteria provided, single submitter. Criteria: ACMG Guidelines, 2015. Collection method: clinical testing. Allele origin: germline. Affected: yes. Observed: 1 variant allele.
Comment: ACMG criteria applied: PVS1, PM2_SUP